The following is an entry in ClinVar:

ClinVar aggregate classification (germline): Uncertain significance (1 of 4 stars; one submission).

Allele frequency attached by ClinVar (database versions not stated): ExAC 0.00001; gnomAD 0.00002; gnomAD exomes 0.00002 and 0.00004; TOPMed 0.00003.
gnomAD v4.1: 60 of 1,613,752 alleles (0.0037%); highest among the groups gnomAD compares: Non-Finnish European, 0.005%; 1 homozygote.

Submission:

Labcorp Genetics (formerly Invitae), Labcorp
Classification: Uncertain significance. Last evaluated: 2026-01-12. Review status: criteria provided, single submitter. Criteria: Invitae Variant Classification Sherloc (09022015). Collection method: clinical testing. Allele origin: germline.
Comment: This sequence change creates a premature translational stop signal (p.Gln369*) in the MAPKAPK3 gene. While this is not anticipated to result in nonsense mediated decay, it is expected to disrupt the last 14 amino acid(s) of the MAPKAPK3 protein. This variant is present in population databases (rs779952844, gnomAD 0.005%). This variant has not been reported in the literature in individuals affected with MAPKAPK3-related conditions. ClinVar contains an entry for this variant (Variation ID: 1477346). Algorithms developed to predict the effect of sequence changes on RNA splicing suggest that this variant may create or strengthen a splice site. In summary, the available evidence is currently insufficient to determine the role of this variant in disease. Therefore, it has been classified as a Variant of Uncertain Significance.

NM_001243925.2(MAPKAPK3):c.1105C>T (p.Gln369Ter)

Gene: MAPKAPK3 (MAPK activated protein kinase 3; plus strand). Cytogenetic location: 3p21.2.
Variant type: single nucleotide variant.
Coding change: c.1105C>T on transcript NM_001243925.2 (MANE Select); coding-DNA position 1105, C replaced by T.
Protein change: p.Gln369Ter; replaces glutamine 369 with a stop codon.
Molecular consequence: nonsense.
Genome position (GRCh38, 1-based): chr3:50,648,002, C>T. VCF-style: chr3-50648002-C-T. GRCh37 (hg19) VCF-style: chr3-50685433-C-T.
Other names: c.1105C>T, p.Gln369Ter (NM_001243926.2, NM_004635.5); short protein forms Q369*.
Identifiers: ClinVar variation 1477346 (VCV001477346.5), dbSNP rs779952844, ClinGen allele CA2420482.